The following is an entry in ClinVar:

NM_000217.3(KCNA1):c.553T>C (p.Cys185Arg)

Gene: KCNA1 (potassium voltage-gated channel subfamily A member 1; plus strand). Cytogenetic location: 12p13.32.
Variant type: single nucleotide variant.
Coding change: c.553T>C on transcript NM_000217.3 (MANE Select); coding-DNA position 553, T replaced by C.
Protein change: p.Cys185Arg; replaces cysteine 185 with arginine.
Molecular consequence: missense variant.
Genome position (GRCh38, 1-based): chr12:4,911,931, T>C. VCF-style: chr12-4911931-T-C. GRCh37 (hg19) VCF-style: chr12-5021097-T-C.
Other names: short protein forms C185R.
Identifiers: ClinVar variation 2577733 (VCV002577733.1), dbSNP rs2497352581, ClinGen allele CA383454814.
Genomic context (GRCh38, chr12:4,911,931, plus strand): 5'-CCCGCCAGGGTCATCGCCATCGTCTCCGTCATGGTCATCCTCATCTCCATCGTCATCTTT[T>C]GCCTGGAGACGCTCCCCGAGCTGAAGGATGACAAGGACTTCACGGGCACCGTCCACCGCA-3'
Protein context (NP_000208.2, residues 175-195): MVILISIVIF[Cys185Arg]LETLPELKDD

ClinVar aggregate classification (germline): Uncertain significance (1 of 4 stars; one submission).

Submission:

GeneDx
Classification: Uncertain significance. Last evaluated: 2023-02-23. Review status: criteria provided, single submitter. Criteria: GeneDx Variant Classification Process June 2021. Collection method: clinical testing. Allele origin: germline. Affected: yes.
Comment: Not observed at significant frequency in large population cohorts (gnomAD); In silico analysis supports that this missense variant has a deleterious effect on protein structure/function; Has not been previously published as pathogenic or benign to our knowledge